The following is an entry in ClinVar:

NM_007294.4(BRCA1):c.1733C>T (p.Ser578Phe)

Gene: BRCA1 (BRCA1 DNA repair associated; minus strand). Cytogenetic location: 17q21.31.
Variant type: single nucleotide variant.
Coding change: c.1733C>T on transcript NM_007294.4 (MANE Select); coding-DNA position 1733, C replaced by T.
Protein change: p.Ser578Phe; replaces serine 578 with phenylalanine.
Molecular consequence: missense variant. On other transcripts: intron variant (137).
Genome position (GRCh38, 1-based): chr17:43,093,798, G>A on the plus strand (C>T on the coding strand, the complement: BRCA1 is on the minus strand). VCF-style: chr17-43093798-G-A. GRCh37 (hg19) VCF-style: chr17-41245815-G-A.
Other names: c.787+946C>T (NM_001407968.1, NM_001407973.1, NM_001408403.1 and 19 more transcripts); c.577+946C>T (NM_001408492.1, NM_001408513.1, NM_001408489.1 and 9 more transcripts); c.643+946C>T (NM_001408468.1, NM_001408465.1, NM_001408463.1 and 3 more transcripts); c.523+946C>T (NM_001408501.1, NM_001408500.1, NM_001408497.1 and 3 more transcripts); c.646+946C>T (NM_001408455.1, NM_001408466.1, NM_001408452.1 and 11 more transcripts); c.520+946C>T (NM_001408503.1, NM_001408505.1, NM_001408504.1); c.404-2766C>T (NM_001408511.1); c.460+2048C>T (NM_001408507.1, NM_001408506.1); and 40 more; short protein forms S578F, S531F, S466F, S511F, S577F, S282F, S490F, S575F.
Identifiers: ClinVar variation 479214 (VCV000479214.17), dbSNP rs80356939, ClinGen allele CA10598562.

ClinVar aggregate classification (germline): Conflicting classifications of pathogenicity. Review status: criteria provided, conflicting classifications (1 of 4 stars). 4 submissions from 4 submitters: Uncertain significance (3); Likely benign (1). Last evaluated 2026-01-11.

Conditions:
Hereditary breast ovarian cancer syndrome. Also called: Hereditary breast and ovarian cancer syndrome (HBOC); Hereditary breast and ovarian cancer syndrome; Breast and ovarian cancer; BRCA1- and BRCA2-Associated Hereditary Breast and Ovarian Cancer; Hereditary breast and ovarian cancer; Hereditary breast and/or ovarian cancer syndrome. Identifiers: Orphanet 145, MedGen C0677776, MeSH D061325, MONDO:0003582. Disease mechanism: loss of function.
Hereditary cancer-predisposing syndrome. Also called: Neoplastic Syndromes, Hereditary; Hereditary Cancer Syndrome; Hereditary neoplastic syndrome; Tumor predisposition. Identifiers: Orphanet 140162, MedGen C0027672, MeSH D009386, MONDO:0015356.

Submissions (4):

Labcorp Genetics (formerly Invitae), Labcorp
Classification: Uncertain significance for Hereditary breast ovarian cancer syndrome. Last evaluated: 2026-01-11. Review status: criteria provided, single submitter. Criteria: Invitae Variant Classification Sherloc (09022015). Collection method: clinical testing. Allele origin: germline.
Comment: This sequence change replaces serine, which is neutral and polar, with phenylalanine, which is neutral and non-polar, at codon 578 of the BRCA1 protein (p.Ser578Phe). This variant is not present in population databases (gnomAD no frequency). This missense change has been observed in individual(s) with breast cancer (PMID: 26221963). ClinVar contains an entry for this variant (Variation ID: 479214). Invitae Evidence Modeling of protein sequence and biophysical properties (such as structural, functional, and spatial information, amino acid conservation, physicochemical variation, residue mobility, and thermodynamic stability) indicates that this missense variant is not expected to disrupt BRCA1 protein function with a negative predictive value of 80%. In summary, the available evidence is currently insufficient to determine the role of this variant in disease. Therefore, it has been classified as a Variant of Uncertain Significance.

University of Washington Department of Laboratory Medicine, University of Washington
Classification: Likely benign for Hereditary cancer-predisposing syndrome. Last evaluated: 2023-03-23. Review status: criteria provided, single submitter. Criteria: Dines et al. (Genet Med. 2020). Collection method: curation. Allele origin: germline.
Comment: Missense variant in a coldspot region where missense variants are very unlikely to be pathogenic (PMID:31911673).

BRCA1 coldspot (exon 11 using historical exon numbering). Reclassification based on statistical prior probability

Color Diagnostics, LLC DBA Color Health
Classification: Uncertain significance for Hereditary cancer-predisposing syndrome. Last evaluated: 2020-02-09. Review status: criteria provided, single submitter. Criteria: ACMG Guidelines, 2015. Collection method: clinical testing. Allele origin: germline.
Comment: This missense variant replaces serine with phenylalanine at codon 578 of the BRCA1 protein. Computational prediction is inconclusive regarding the impact of this variant on protein structure and function (internally defined REVEL score threshold 0.5 < inconclusive < 0.7, PMID: 27666373). Splice site prediction tools suggest that this variant may not impact RNA splicing. To our knowledge, functional studies have not been performed for this variant. This variant has not been reported in individuals affected with hereditary cancer in the literature. This variant has not been identified in the general population by the Genome Aggregation Database (gnomAD). The available evidence is insufficient to determine the role of this variant in disease conclusively. Therefore, this variant is classified as a Variant of Uncertain Significance.

Ambry Genetics
Classification: Uncertain significance for Hereditary cancer-predisposing syndrome. Last evaluated: 2019-05-16. Review status: criteria provided, single submitter. Criteria: Ambry Variant Classification Scheme 2023. Collection method: clinical testing. Allele origin: germline.
Comment: The p.S578F variant (also known as c.1733C>T), located in coding exon 9 of the BRCA1 gene, results from a C to T substitution at nucleotide position 1733. The serine at codon 578 is replaced by phenylalanine, an amino acid with highly dissimilar properties. This variant was identified in a cohort of 359 Asian women with personal histories of breast cancer (Wong ES et al. PLoS ONE, 2015 Jul;10:e0134408). This amino acid position is well conserved in available vertebrate species. In addition, the in silico prediction for this alteration is inconclusive. Since supporting evidence is limited at this time, the clinical significance of this alteration remains unclear.

Literature cited by the submitters: PubMed 26221963 (cited by Labcorp Genetics (formerly Invitae), Labcorp and Ambry Genetics).